The following is an entry in ClinVar:

ClinVar aggregate classification (germline): Uncertain significance. Review status: criteria provided, multiple submitters, no conflicts (2 of 4 stars). 2 submissions from 2 submitters: Uncertain significance (2). Last evaluated 2025-10-21.

Conditions:
Inborn genetic diseases. Identifiers: MedGen C0950123, MeSH D030342.
Spastic paraplegia. Identifiers: MedGen C0037772, HP:0001258.

Allele frequency attached by ClinVar (database versions not stated): TOPMed 0.00003; gnomAD exomes below 0.00001; gnomAD 0.00001.
gnomAD v4.1: 9 of 1,196,102 alleles (0.00075%); highest among the groups gnomAD compares: Admixed American, 0.0045%; no homozygotes.

Submissions (2):

Ambry Genetics
Classification: Uncertain significance for Inborn genetic diseases. Last evaluated: 2025-10-21. Review status: criteria provided, single submitter. Criteria: Ambry Variant Classification Scheme 2023. Collection method: clinical testing. Allele origin: germline.

Labcorp Genetics (formerly Invitae), Labcorp
Classification: Uncertain significance for Spastic paraplegia. Last evaluated: 2025-07-28. Review status: criteria provided, single submitter. Criteria: Invitae Variant Classification Sherloc (09022015). Collection method: clinical testing. Allele origin: germline.
Comment: This sequence change replaces arginine, which is basic and polar, with tryptophan, which is neutral and slightly polar, at codon 909 of the KDM5C protein (p.Arg909Trp). The frequency data for this variant in the population databases is considered unreliable, as metrics indicate poor data quality at this position in the gnomAD database. This variant has not been reported in the literature in individuals affected with KDM5C-related conditions. ClinVar contains an entry for this variant (Variation ID: 1795233). Invitae Evidence Modeling of protein sequence and biophysical properties (such as structural, functional, and spatial information, amino acid conservation, physicochemical variation, residue mobility, and thermodynamic stability) indicates that this missense variant is not expected to disrupt KDM5C protein function with a negative predictive value of 95%. In summary, the available evidence is currently insufficient to determine the role of this variant in disease. Therefore, it has been classified as a Variant of Uncertain Significance.

NM_004187.5(KDM5C):c.2725C>T (p.Arg909Trp)

Gene: KDM5C (lysine demethylase 5C; minus strand). Cytogenetic location: Xp11.22.
Variant type: single nucleotide variant.
Coding change: c.2725C>T on transcript NM_004187.5 (MANE Select); coding-DNA position 2725, C replaced by T.
Protein change: p.Arg909Trp; replaces arginine 909 with tryptophan.
Molecular consequence: missense variant. On other transcripts: non-coding transcript variant (3).
Genome position (GRCh38, 1-based): chrX:53,196,942, G>A on the plus strand (C>T on the coding strand, the complement: KDM5C is on the minus strand). VCF-style: chrX-53196942-G-A. GRCh37 (hg19) VCF-style: chrX-53226124-G-A.
Other names: c.2524C>T, p.Arg842Trp (NM_001146702.2); c.2722C>T, p.Arg908Trp (NM_001282622.3, NM_001353979.2, NM_001353982.2); c.2725C>T, p.Arg909Trp (NM_001353978.3, NM_001353981.2, NM_001353984.2); short protein forms R908W, R909W, R842W.
Identifiers: ClinVar variation 1795233 (VCV001795233.5), dbSNP rs951268570, ClinGen allele CA329167162.